The following is an entry in ClinVar:

ClinVar aggregate classification (germline): Likely benign (1 of 4 stars; one submission).

Conditions:
Rubinstein-Taybi syndrome due to EP300 haploinsufficiency. Also called: RUBINSTEIN-TAYBI SYNDROME 2; EP300-Related Rubinstein-Taybi Syndrome. Identifiers: Orphanet 353284, Orphanet 783, MedGen C3150941, MONDO:0013364, OMIM 613684.

Submission:

Centre for Medical Genetics,  Mumbai
Classification: Likely benign for Rubinstein-Taybi syndrome due to EP300 haploinsufficiency. Last evaluated: 2026-05-05. Review status: criteria provided, single submitter. Criteria: ACMG Guidelines, 2015. Collection method: provider interpretation. Allele origin: germline. Inheritance: Autosomal dominant inheritance. Affected: no. Observed: 1 variant allele, 1 heterozygote.
Comment: The variant satisfies PM2 criteria - extremely low frequency in gnomAD population databases. However, the variant satisfies BS2 criteria - present in heterozygous state in an individual that clinically does not have Rubinstein-Taybi syndrome.

Literature cited by the submitters: PubMed 15706485.

NM_001429.4(EP300):c.1069G>A (p.Ala357Thr)

Gene: EP300 (EP300 lysine acetyltransferase; plus strand). Cytogenetic location: 22q13.2.
Variant type: single nucleotide variant.
Coding change: c.1069G>A on transcript NM_001429.4 (MANE Select); coding-DNA position 1069, G replaced by A.
Protein change: p.Ala357Thr; replaces alanine 357 with threonine.
Molecular consequence: missense variant.
Genome position (GRCh38, 1-based): chr22:41,127,649, G>A. VCF-style: chr22-41127649-G-A. GRCh37 (hg19) VCF-style: chr22-41523653-G-A.
Other names: c.1069G>A, p.Ala357Thr (NM_001362843.2); short protein forms A357T.
Identifiers: ClinVar variation 4852288 (VCV004852288.1).
Genomic context (GRCh38, chr22:41,127,649, plus strand): 5'-CTCATCCAGCAGCAGCTTGTTCTCCTTTTGCATGCTCACAAGTGCCAGCGCCGGGAACAG[G>A]CCAATGGGGAAGTGAGGCAGTGCAACCTTCCCCACTGTCGCACAATGAAGAATGTCCTAA-3'
Protein context (NP_001420.2, residues 347-367): HAHKCQRREQ[Ala357Thr]NGEVRQCNLP